The following is an entry in ClinVar:

ClinVar aggregate classification (germline): Uncertain significance (1 of 4 stars; one submission).

Conditions:
Familial adenomatous polyposis 1 (FAP1). Also called: FAMILIAL ADENOMATOUS POLYPOSIS 1, ATTENUATED; POLYPOSIS, ADENOMATOUS INTESTINAL. Identifiers: MedGen C2713442, MONDO:0021056, OMIM 175100. Disease mechanism: loss of function.

Submission:

Labcorp Genetics (formerly Invitae), Labcorp
Classification: Uncertain significance for Familial adenomatous polyposis 1. Last evaluated: 2023-12-08. Review status: criteria provided, single submitter. Criteria: Invitae Variant Classification Sherloc (09022015). Collection method: clinical testing. Allele origin: germline.
Comment: This sequence change replaces proline, which is neutral and non-polar, with leucine, which is neutral and non-polar, at codon 1441 of the APC protein (p.Pro1441Leu). This variant is not present in population databases (gnomAD no frequency). This variant has not been reported in the literature in individuals affected with APC-related conditions. ClinVar contains an entry for this variant (Variation ID: 1490004). Advanced modeling of protein sequence and biophysical properties (such as structural, functional, and spatial information, amino acid conservation, physicochemical variation, residue mobility, and thermodynamic stability) performed at Invitae indicates that this missense variant is not expected to disrupt APC protein function with a negative predictive value of 95%. In summary, the available evidence is currently insufficient to determine the role of this variant in disease. Therefore, it has been classified as a Variant of Uncertain Significance.

NM_000038.6(APC):c.4322C>T (p.Pro1441Leu)

Gene: APC (APC regulator of Wnt signaling pathway; plus strand). Cytogenetic location: 5q22.2.
Variant type: single nucleotide variant.
Coding change: c.4322C>T on transcript NM_000038.6 (MANE Select); coding-DNA position 4322, C replaced by T.
Protein change: p.Pro1441Leu; replaces proline 1441 with leucine.
Molecular consequence: missense variant.
Genome position (GRCh38, 1-based): chr5:112,839,916, C>T. VCF-style: chr5-112839916-C-T. GRCh37 (hg19) VCF-style: chr5-112175613-C-T.
Other names: c.4322C>T, p.Pro1441Leu (NM_001127510.3, NM_001354895.2); c.4268C>T, p.Pro1423Leu (NM_001127511.3); c.4376C>T, p.Pro1459Leu (NM_001354896.2); c.4352C>T, p.Pro1451Leu (NM_001354897.2); c.4247C>T, p.Pro1416Leu (NM_001354898.2); c.4238C>T, p.Pro1413Leu (NM_001354899.2); c.4199C>T, p.Pro1400Leu (NM_001354900.2); c.4145C>T, p.Pro1382Leu (NM_001354901.2); and 5 more; short protein forms P1315L, P1340L, P1350L, P1413L, P1416L, P1158L, P1281L, P1400L.
Identifiers: ClinVar variation 1490004 (VCV001490004.8), dbSNP rs2149911667, ClinGen allele CA16030806.